The following is an entry in ClinVar:

ClinVar aggregate classification (germline): Uncertain significance (1 of 4 stars; one submission).

gnomAD v4.1: 9 of 1,613,946 alleles (0.00056%); highest among the groups gnomAD compares: Middle Eastern, 0.016%; no homozygotes.

Submission:

GeneDx
Classification: Uncertain significance. Last evaluated: 2022-12-16. Review status: criteria provided, single submitter. Criteria: GeneDx Variant Classification Process June 2021. Collection method: clinical testing. Allele origin: germline. Affected: yes.
Comment: Not observed at significant frequency in large population cohorts (gnomAD); In silico analysis supports that this missense variant does not alter protein structure/function; Has not been previously published as pathogenic or benign to our knowledge

NM_017757.3(ZNF407):c.3680G>T (p.Arg1227Leu)

Gene: ZNF407 (zinc finger protein 407; plus strand). Cytogenetic location: 18q22.3.
Variant type: single nucleotide variant.
Coding change: c.3680G>T on transcript NM_017757.3 (MANE Select); coding-DNA position 3680, G replaced by T.
Protein change: p.Arg1227Leu; replaces arginine 1227 with leucine.
Molecular consequence: missense variant.
Genome position (GRCh38, 1-based): chr18:74,634,699, G>T. VCF-style: chr18-74634699-G-T. GRCh37 (hg19) VCF-style: chr18-72346655-G-T.
Other names: c.3680G>T, p.Arg1227Leu (NM_001146189.1, NM_001146190.1, NM_001384475.1); short protein forms R1227L.
Identifiers: ClinVar variation 2505881 (VCV002505881.1), dbSNP rs752581906, ClinGen allele CA9000724.